The following is an entry in ClinVar:

NM_006790.3(MYOT):c.427C>T (p.Pro143Ser)

Genes: MYOT (myotilin; plus strand), PKD2L2-DT (PKD2L2 divergent transcript; minus strand). Cytogenetic location: 5q31.2.
Variant type: single nucleotide variant.
Coding change: c.427C>T on transcript NM_006790.3 (MANE Select); coding-DNA position 427, C replaced by T.
Protein change: p.Pro143Ser; replaces proline 143 with serine.
Molecular consequence: missense variant. On other transcripts: 5 prime UTR variant (1).
Genome position (GRCh38, 1-based): chr5:137,875,899, C>T. VCF-style: chr5-137875899-C-T. GRCh37 (hg19) VCF-style: chr5-137211588-C-T.
Other names: c.-126C>T (NM_001135940.2); c.82C>T, p.Pro28Ser (NM_001300911.2); short protein forms P143S, P28S.
Identifiers: ClinVar variation 2915037 (VCV002915037.3), dbSNP rs1304403308, ClinGen allele CA361054059.
Genomic context (GRCh38, chr5:137,875,899, plus strand): 5'-TCCTCAGCTGGCCAACCTATAAATGCAAAGCCATCCCAAACTGCAAATGCTAAGCCCATA[C>T]CAAGAACTCCTGATCATGAAATACAAGGATCAAAAGAAGCTTTGATTCAAGATTTGGAAA-3'
Protein context (NP_006781.1, residues 133-153): PSQTANAKPI[Pro143Ser]RTPDHEIQGS

ClinVar aggregate classification (germline): Uncertain significance (1 of 4 stars; one submission).

Conditions:
Myofibrillar myopathy 3 (MFM3). Also called: Muscular dystrophy, proximal, type 1A; Autosomal dominant spheroid body myopathy. Identifiers: Orphanet 266, Orphanet 268129, MedGen C3714934, MONDO:0012215, OMIM 609200.

Allele frequency attached by ClinVar (database versions not stated): gnomAD exomes below 0.00001; TOPMed 0.00001.

Submission:

Labcorp Genetics (formerly Invitae), Labcorp
Classification: Uncertain significance for Myofibrillar myopathy 3. Last evaluated: 2023-05-08. Review status: criteria provided, single submitter. Criteria: Invitae Variant Classification Sherloc (09022015). Collection method: clinical testing. Allele origin: germline.
Comment: This sequence change replaces proline, which is neutral and non-polar, with serine, which is neutral and polar, at codon 143 of the MYOT protein (p.Pro143Ser). This variant is present in population databases (no rsID available, gnomAD 0.006%). This variant has not been reported in the literature in individuals affected with MYOT-related conditions. An algorithm developed to predict the effect of missense changes on protein structure and function (PolyPhen-2) suggests that this variant is likely to be tolerated. In summary, the available evidence is currently insufficient to determine the role of this variant in disease. Therefore, it has been classified as a Variant of Uncertain Significance.